The following is an entry in ClinVar:

ClinVar aggregate classification (germline): Uncertain significance. Review status: criteria provided, multiple submitters, no conflicts (2 of 4 stars). 2 submissions from 2 submitters: Uncertain significance (2). Last evaluated 2025-05-15.

Conditions:
PLXNA4-related disorder. Also called: PLXNA4-related condition.

Allele frequency attached by ClinVar (database versions not stated): gnomAD exomes 0.00002; TOPMed 0.00003; gnomAD 0.00004.
gnomAD v4.1: 38 of 1,613,824 alleles (0.0024%); highest among the groups gnomAD compares: African/African-American, 0.0027%; no homozygotes.

Submissions (2):

Ambry Genetics
Classification: Uncertain significance. Last evaluated: 2025-05-15. Review status: criteria provided, single submitter. Criteria: Ambry Variant Classification Scheme 2023. Collection method: clinical testing. Allele origin: germline.

PreventionGenetics, part of Exact Sciences
Classification: Uncertain significance for PLXNA4-related condition. Last evaluated: 2024-12-04. Review status: criteria provided, single submitter. Criteria: ACMG Guidelines, 2015. Collection method: clinical testing. Allele origin: germline.
Comment: The PLXNA4 c.1399G>A variant is predicted to result in the amino acid substitution p.Ala467Thr. To our knowledge, this variant has not been reported in the literature. This variant is reported in 0.0016% of alleles in individuals of European (Non-Finnish) descent in gnomAD. At this time, the clinical significance of this variant is uncertain due to the absence of conclusive functional and genetic evidence.

NM_020911.2(PLXNA4):c.1399G>A (p.Ala467Thr)

Gene: PLXNA4 (plexin A4; minus strand). Cytogenetic location: 7q32.3.
Variant type: single nucleotide variant.
Coding change: c.1399G>A on transcript NM_020911.2 (MANE Select); coding-DNA position 1399, G replaced by A.
Protein change: p.Ala467Thr; replaces alanine 467 with threonine.
Molecular consequence: missense variant.
Genome position (GRCh38, 1-based): chr7:132,298,195, C>T on the plus strand (G>A on the coding strand, the complement: PLXNA4 is on the minus strand). VCF-style: chr7-132298195-C-T. GRCh37 (hg19) VCF-style: chr7-131982954-C-T.
Other names: c.1399G>A, p.Ala467Thr (NM_001393897.1); short protein forms A467T.
Identifiers: ClinVar variation 2629124 (VCV002629124.3), dbSNP rs867833410, ClinGen allele CA167292100.